The following is an entry in ClinVar:

NM_001394998.1(TANC2):c.213_228dup (p.Ile77fs)

Gene: TANC2 (tetratricopeptide repeat, ankyrin repeat and coiled-coil containing 2; plus strand). Cytogenetic location: 17q23.2.
Variant type: Duplication.
Coding change: c.213_228dup on transcript NM_001394998.1 (MANE Select); coding-DNA positions 213 to 228, 16 bases duplicated (TATGCAGCACATTCGG).
Protein change: p.Ile77fs; shifts the reading frame from isoleucine 77.
Molecular consequence: frameshift variant. On other transcripts: splice donor variant (1).
Genome position (GRCh38, 1-based): chr17:63,099,248-63,099,263, TATGCAGCACATTCGG duplicated; duplicating any 16 consecutive bases within chr17:63,099,246-63,099,263 gives the same sequence; the c. name uses the placement nearest the transcript's 3' end. VCF-style (leftmost placement, unchanged base first): chr17-63099245-A-AGGTATGCAGCACATTC. GRCh37 (hg19) VCF-style: chr17-61176606-A-AGGTATGCAGCACATTC.
Other names: c.211+2_211+17dup (NM_025185.4); short protein forms I77fs.
Identifiers: ClinVar variation 1687310 (VCV001687310.2), dbSNP rs2144901635, ClinGen allele CA2573154450.

ClinVar aggregate classification (germline): Uncertain significance (1 of 4 stars; one submission).

Conditions:
Intellectual developmental disorder with autistic features and language delay, with or without seizures. Identifiers: MedGen C5394447, MONDO:0030051, OMIM 618906.

Submission:

3billion
Classification: Uncertain significance for Intellectual developmental disorder with autistic features and language delay, with or without seizures. Last evaluated: 2022-05-22. Review status: criteria provided, single submitter. Criteria: ACMG Guidelines, 2015. Collection method: clinical testing. Allele origin: germline. Affected: yes. Observed: 1 heterozygote.
Comment: The variant is not observed in the gnomAD v2.1.1 dataset. Canonical splice site: predicted to alter splicing and result in a loss or disruption of normal protein function through nonsense-mediated decay (NMD) or protein truncation. Multiple pathogenic variants are reported downstream of the variant. Therefore, this variant is classified as a variant of uncertain significance according to the recommendation of ACMG/AMP guideline.